The following is an entry in ClinVar:

ClinVar aggregate classification (germline): Conflicting classifications of pathogenicity. Review status: criteria provided, conflicting classifications (1 of 4 stars). 2 submissions from 2 submitters: Uncertain significance (1); Likely benign (1). Last evaluated 2025-10-31.

Conditions:
Primary ciliary dyskinesia. Also called: Ciliary dyskinesia. Identifiers: Orphanet 244, MedGen C0008780, MONDO:0016575, HP:0012265.

Allele frequency attached by ClinVar (database versions not stated): TOPMed below 0.00001; gnomAD 0.00001; gnomAD exomes 0.00001.
gnomAD v4.1: 7 of 1,613,844 alleles (0.00043%); highest among the groups gnomAD compares: Non-Finnish European, 0.00051%; no homozygotes.

Submissions (2):

Labcorp Genetics (formerly Invitae), Labcorp
Classification: Likely benign for Primary ciliary dyskinesia. Last evaluated: 2025-10-31. Review status: criteria provided, single submitter. Criteria: Invitae Variant Classification Sherloc (09022015). Collection method: clinical testing. Allele origin: germline.

Ambry Genetics
Classification: Uncertain significance for Primary ciliary dyskinesia. Last evaluated: 2021-07-01. Review status: criteria provided, single submitter. Criteria: Ambry Variant Classification Scheme 2023. Collection method: clinical testing. Allele origin: germline.
Comment: The p.Q839E variant (also known as c.2515C>G), located in coding exon 14 of the DNAH11 gene, results from a C to G substitution at nucleotide position 2515. The glutamine at codon 839 is replaced by glutamic acid, an amino acid with highly similar properties. This amino acid position is conserved. In addition, this alteration is predicted to be tolerated by in silico analysis. Since supporting evidence is limited at this time, the clinical significance of this alteration remains unclear.

NM_001277115.2(DNAH11):c.2515C>G (p.Gln839Glu)

Gene: DNAH11 (dynein axonemal heavy chain 11; plus strand). Cytogenetic location: 7p15.3.
Variant type: single nucleotide variant.
Coding change: c.2515C>G on transcript NM_001277115.2 (MANE Select); coding-DNA position 2515, C replaced by G.
Protein change: p.Gln839Glu; replaces glutamine 839 with glutamic acid.
Molecular consequence: missense variant.
Genome position (GRCh38, 1-based): chr7:21,591,425, C>G. VCF-style: chr7-21591425-C-G. GRCh37 (hg19) VCF-style: chr7-21631043-C-G.
Other names: short protein forms Q839E.
Identifiers: ClinVar variation 454667 (VCV000454667.11), dbSNP rs1427132712, ClinGen allele CA366942870.